The following is an entry in ClinVar:

NM_015450.3(POT1):c.1006+1G>A

Gene: POT1 (protection of telomeres 1; minus strand). Cytogenetic location: 7q31.33.
Variant type: single nucleotide variant.
Coding change: c.1006+1G>A on transcript NM_015450.3 (MANE Select); the canonical splice donor site of the intron after coding-DNA position 1006, G replaced by A.
Molecular consequence: splice donor variant.
Genome position (GRCh38, 1-based): chr7:124,846,941, C>T on the plus strand (G>A on the coding strand, the complement: POT1 is on the minus strand). VCF-style: chr7-124846941-C-T. GRCh37 (hg19) VCF-style: chr7-124486995-C-T.
Other names: c.613+1G>A (NM_001042594.2).
Identifiers: ClinVar variation 3226646 (VCV003226646.1), dbSNP rs2485418294, ClinGen allele CA369053334.

ClinVar aggregate classification (germline): Uncertain significance (1 of 4 stars; one submission).

Conditions:
Hereditary cancer-predisposing syndrome. Also called: Neoplastic Syndromes, Hereditary; Tumor predisposition; Hereditary neoplastic syndrome; Hereditary Cancer Syndrome. Identifiers: Orphanet 140162, MedGen C0027672, MeSH D009386, MONDO:0015356.

Submission:

Ambry Genetics
Classification: Uncertain significance for Hereditary cancer-predisposing syndrome. Last evaluated: 2024-01-26. Review status: criteria provided, single submitter. Criteria: Ambry Variant Classification Scheme 2023. Collection method: clinical testing. Allele origin: germline.
Comment: The c.1006+1G>A intronic variant results from a G to A substitution one nucleotide after coding exon 8 of the POT1 gene. Alterations that disrupt the canonical splice site are expected to result in aberrant splicing. This nucleotide position is highly conserved in available vertebrate species. In silico splice site analysis predicts that this alteration will weaken the native splice donor site. RNA studies have demonstrated that this alteration results in a transcript predicted to lead to a protein with an in-frame insertion of 19 amino acid(s); however, the exact functional impact of the inserted amino acid(s) is unknown at this time (Ambry internal data). Based on the available evidence, the clinical significance of this alteration remains unclear.